The following is an entry in ClinVar:

ClinVar aggregate classification (germline): Benign. Review status: criteria provided, multiple submitters, no conflicts (2 of 4 stars). 3 submissions from 3 submitters: Benign (3). Last evaluated 2018-08-07.

Conditions:
Refsum disease, classic. Also called: HEREDOPATHIA ATACTICA POLYNEURITIFORMIS; HMSN IV; PHYTANIC ACID OXIDASE DEFICIENCY; PHYH-Related Refsum Disease. Identifiers: Orphanet 773, MedGen C5780941, MONDO:1060256, OMIM 266500. Disease mechanism: loss of function.

Allele frequency attached by ClinVar (database versions not stated): TOPMed 0.26413; gnomAD 0.27698 and 0.27214; gnomAD exomes 0.24978; 1000 Genomes Project 0.23642; 1000 Genomes Project 30x 0.23657; ESP Exome Variant Server 0.28625.
gnomAD v4.1: 274,638 of 1,086,974 alleles (25%); highest among the groups gnomAD compares: African/African-American, 35%; 35,909 homozygotes.

Submissions (3):

GeneDx
Classification: Benign. Last evaluated: 2018-08-07. Review status: criteria provided, single submitter. Criteria: GeneDx Variant Classification Process June 2021. Collection method: clinical testing. Allele origin: germline. Affected: yes.

Illumina Laboratory Services, Illumina
Classification: Benign for Refsum disease, classic. Last evaluated: 2018-01-12. Review status: criteria provided, single submitter. Criteria: ICSL Variant Classification Criteria 13 December 2019. Collection method: clinical testing. Allele origin: germline.
Comment: This variant was observed in the ICSL laboratory as part of a predisposition screen in an ostensibly healthy population. It had not been previously curated by ICSL or reported in the Human Gene Mutation Database (HGMD: prior to June 1st, 2018), and was therefore a candidate for classification through an automated scoring system. Utilizing variant allele frequency, disease prevalence and penetrance estimates, and inheritance mode, an automated score was calculated to assess if this variant is too frequent to cause the disease. Based on the score and internal cut-off values, a variant classified as benign is not then subjected to further curation. The score for this variant resulted in a classification of benign for this disease.

Breakthrough Genomics
Classification: Benign. Review status: criteria provided, single submitter. Criteria: ACMG Guidelines, 2015. Collection method: not provided. Allele origin: germline. Inheritance: Autosomal recessive inheritance. Affected: yes.

NM_006214.4(PHYH):c.*65G>A

Gene: PHYH (phytanoyl-CoA 2-hydroxylase; minus strand). Cytogenetic location: 10p13.
Variant type: single nucleotide variant.
Coding change: c.*65G>A on transcript NM_006214.4 (MANE Select); 65 bases downstream of the stop codon, G replaced by A.
Molecular consequence: 3 prime UTR variant.
Genome position (GRCh38, 1-based): chr10:13,278,236, C>T on the plus strand (G>A on the coding strand, the complement: PHYH is on the minus strand). VCF-style: chr10-13278236-C-T. GRCh37 (hg19) VCF-style: chr10-13320236-C-T.
Other names: c.*65G>A (NM_001037537.2, NM_001323080.2, NM_001323082.2 and 2 more transcripts).
Identifiers: ClinVar variation 299240 (VCV000299240.8), dbSNP rs11133, ClinGen allele CA10628212.